The following is an entry in ClinVar:

NM_001372044.2(SHANK3):c.368A>C (p.Gln123Pro)

Gene: SHANK3 (SH3 and multiple ankyrin repeat domains 3; plus strand). Cytogenetic location: 22q13.33.
Variant type: single nucleotide variant.
Coding change: c.368A>C on transcript NM_001372044.2 (MANE Select); coding-DNA position 368, A replaced by C.
Protein change: p.Gln123Pro; replaces glutamine 123 with proline.
Molecular consequence: missense variant.
Genome position (GRCh38, 1-based): chr22:50,675,127, A>C. VCF-style: chr22-50675127-A-C. GRCh37 (hg19) VCF-style: chr22-51113555-A-C.
Other names: c.143A>C (NM_033517.1); short protein forms Q123P.
Identifiers: ClinVar variation 3346304 (VCV003346304.1).

ClinVar aggregate classification (germline): Uncertain significance (0 of 4 stars; one submission).

Conditions:
SHANK3-related disorder. Also called: SHANK3-related condition.

Submission:

PreventionGenetics, part of Exact Sciences
Classification: Uncertain significance for SHANK3-related condition. Last evaluated: 2024-08-08. Review status: no assertion criteria provided. Collection method: clinical testing. Allele origin: germline.
Comment: The SHANK3 c.143A>C variant is predicted to result in the amino acid substitution p.Gln48Pro. To our knowledge, this variant has not been reported in the literature or in a large population database, indicating this variant is rare. At this time, the clinical significance of this variant is uncertain due to the absence of conclusive functional and genetic evidence.